The following is an entry in ClinVar:

NM_001042492.3(NF1):c.1140del (p.Val381fs)

Gene: NF1 (neurofibromin 1; plus strand). Cytogenetic location: 17q11.2.
Variant type: Deletion.
Coding change: c.1140del on transcript NM_001042492.3 (MANE Select); coding-DNA position 1140, one base deleted (T; older notation c.1140delT).
Protein change: p.Val381fs; shifts the reading frame from valine 381.
Molecular consequence: frameshift variant.
Genome position (GRCh38, 1-based): chr17:31,201,114, T deleted; the last of 2 consecutive T bases (chr17:31,201,113-31,201,114); deleting either gives the same sequence. VCF-style (leftmost placement, unchanged base first): chr17-31201112-CT-C. GRCh37 (hg19) VCF-style: chr17-29528130-CT-C.
Other names: c.1140delT, p.Val381Phefs (NM_000267.4); c.1140del, p.Val381fs (NM_001128147.3); short protein forms V381fs.
Identifiers: ClinVar variation 2736507 (VCV002736507.3), dbSNP rs2544797224, ClinGen allele CA2695224731.

ClinVar aggregate classification (germline): Pathogenic (1 of 4 stars; one submission).

Conditions:
Neurofibromatosis, type 1 (NF1). Also called: Neurofibromatosis, type I; Peripheral type neurofibromatosis; VON RECKLINGHAUSEN DISEASE; NEUROFIBROMATOSIS, TYPE I, SOMATIC. Identifiers: Orphanet 636, MedGen C0027831, MONDO:0018975, OMIM 162200. Disease mechanism: loss of function.

Submission:

Labcorp Genetics (formerly Invitae), Labcorp
Classification: Pathogenic for Neurofibromatosis, type 1. Last evaluated: 2024-01-30. Review status: criteria provided, single submitter. Criteria: Invitae Variant Classification Sherloc (09022015). Collection method: clinical testing. Allele origin: germline.
Comment: This sequence change creates a premature translational stop signal (p.Val381Phefs*6) in the NF1 gene. It is expected to result in an absent or disrupted protein product. Loss-of-function variants in NF1 are known to be pathogenic (PMID: 10712197, 23913538). This variant is not present in population databases (gnomAD no frequency). This premature translational stop signal has been observed in individual(s) with neurofibromatosis (PMID: 26740943). For these reasons, this variant has been classified as Pathogenic.

Literature cited by the submitters: PubMed 10712197; PubMed 23913538; PubMed 26740943.